The following is an entry in ClinVar:

NM_006231.4(POLE):c.1369A>C (p.Thr457Pro)

Gene: POLE (DNA polymerase epsilon, catalytic subunit; minus strand). Cytogenetic location: 12q24.33.
Variant type: single nucleotide variant.
Coding change: c.1369A>C on transcript NM_006231.4 (MANE Select); coding-DNA position 1369, A replaced by C.
Protein change: p.Thr457Pro; replaces threonine 457 with proline.
Molecular consequence: missense variant.
Genome position (GRCh38, 1-based): chr12:132,673,268, T>G on the plus strand (A>C on the coding strand, the complement: POLE is on the minus strand). VCF-style: chr12-132673268-T-G. GRCh37 (hg19) VCF-style: chr12-133249854-T-G.
Other names: short protein forms T457P.
Identifiers: ClinVar variation 1996516 (VCV001996516.4), dbSNP rs2542141633, ClinGen allele CA387358816.

ClinVar aggregate classification (germline): Uncertain significance (1 of 4 stars; one submission).

Submission:

Labcorp Genetics (formerly Invitae), Labcorp
Classification: Uncertain significance. Last evaluated: 2022-05-19. Review status: criteria provided, single submitter. Criteria: Invitae Variant Classification Sherloc (09022015). Collection method: clinical testing. Allele origin: germline.
Comment: In summary, the available evidence is currently insufficient to determine the role of this variant in disease. Therefore, it has been classified as a Variant of Uncertain Significance. Algorithms developed to predict the effect of sequence changes on RNA splicing suggest that this variant may create or strengthen a splice site. Algorithms developed to predict the effect of missense changes on protein structure and function are either unavailable or do not agree on the potential impact of this missense change (SIFT: "Tolerated"; PolyPhen-2: "Possibly Damaging"; Align-GVGD: "Class C0"). This variant has not been reported in the literature in individuals affected with POLE-related conditions. This variant is not present in population databases (gnomAD no frequency). This sequence change replaces threonine, which is neutral and polar, with proline, which is neutral and non-polar, at codon 457 of the POLE protein (p.Thr457Pro).